The following is an entry in ClinVar:

NM_006059.4(LAMC3):c.3566C>T (p.Ala1189Val)

Gene: LAMC3 (laminin subunit gamma 3; plus strand). Cytogenetic location: 9q34.12.
Variant type: single nucleotide variant.
Coding change: c.3566C>T on transcript NM_006059.4 (MANE Select); coding-DNA position 3566, C replaced by T.
Protein change: p.Ala1189Val; replaces alanine 1189 with valine.
Molecular consequence: missense variant.
Genome position (GRCh38, 1-based): chr9:131,075,902, C>T. VCF-style: chr9-131075902-C-T. GRCh37 (hg19) VCF-style: chr9-133951289-C-T.
Other names: short protein forms A1189V.
Identifiers: ClinVar variation 1371857 (VCV001371857.27), dbSNP rs369839636, ClinGen allele CA5287851.

ClinVar aggregate classification (germline): Conflicting classifications of pathogenicity. Review status: criteria provided, conflicting classifications (1 of 4 stars). 3 submissions from 3 submitters: Uncertain significance (2); Likely benign (1). Last evaluated 2022-06-22.

Allele frequency attached by ClinVar (database versions not stated): gnomAD exomes 0.00002 and 0.00003; ExAC 0.00003; gnomAD 0.00004 and 0.00006; TOPMed 0.00006; ESP Exome Variant Server 0.00015.
gnomAD v4.1: 49 of 1,612,398 alleles (0.003%); highest among the groups gnomAD compares: African/African-American, 0.008%; 1 homozygote.

Submissions (3):

GeneDx
Classification: Uncertain significance. Last evaluated: 2022-06-22. Review status: criteria provided, single submitter. Criteria: GeneDx Variant Classification Process June 2021. Collection method: clinical testing. Allele origin: germline. Affected: yes.
Comment: In silico analysis supports that this missense variant does not alter protein structure/function; Has not been previously published as pathogenic or benign to our knowledge

CeGaT Center for Human Genetics Tuebingen
Classification: Likely benign. Last evaluated: 2022-06-01. Review status: criteria provided, single submitter. Criteria: CeGaT Center For Human Genetics Tuebingen Variant Classification Criteria Version 2. Collection method: clinical testing. Allele origin: germline. Affected: yes. Observed: 1 variant allele.
Comment: LAMC3: BP4

Labcorp Genetics (formerly Invitae), Labcorp
Classification: Uncertain significance. Last evaluated: 2022-05-25. Review status: criteria provided, single submitter. Criteria: Invitae Variant Classification Sherloc (09022015). Collection method: clinical testing. Allele origin: germline.
Comment: This sequence change replaces alanine, which is neutral and non-polar, with valine, which is neutral and non-polar, at codon 1189 of the LAMC3 protein (p.Ala1189Val). This variant is present in population databases (rs369839636, gnomAD 0.02%). This variant has not been reported in the literature in individuals affected with LAMC3-related conditions. Algorithms developed to predict the effect of missense changes on protein structure and function output the following: SIFT: "Tolerated"; PolyPhen-2: "Benign"; Align-GVGD: "Class C0". The valine amino acid residue is found in multiple mammalian species, which suggests that this missense change does not adversely affect protein function. In summary, the available evidence is currently insufficient to determine the role of this variant in disease. Therefore, it has been classified as a Variant of Uncertain Significance.